The following is an entry in ClinVar:

ClinVar aggregate classification (germline): Uncertain significance (1 of 4 stars; one submission).

Allele frequency attached by ClinVar (database versions not stated): gnomAD 0.00002.
gnomAD v4.1: 10 of 1,569,836 alleles (0.00064%); highest among the groups gnomAD compares: Admixed American, 0.0051%; no homozygotes.

Submission:

Labcorp Genetics (formerly Invitae), Labcorp
Classification: Uncertain significance. Last evaluated: 2022-09-01. Review status: criteria provided, single submitter. Criteria: Invitae Variant Classification Sherloc (09022015). Collection method: clinical testing. Allele origin: germline.
Comment: In summary, the available evidence is currently insufficient to determine the role of this variant in disease. Therefore, it has been classified as a Variant of Uncertain Significance. Algorithms developed to predict the effect of missense changes on protein structure and function output the following: SIFT: "Not Available"; PolyPhen-2: "Benign"; Align-GVGD: "Not Available". The arginine amino acid residue is found in multiple mammalian species, which suggests that this missense change does not adversely affect protein function. This variant has not been reported in the literature in individuals affected with PIK3C2A-related conditions. This variant is present in population databases (no rsID available, gnomAD 0.004%). This sequence change replaces histidine, which is basic and polar, with arginine, which is basic and polar, at codon 816 of the PIK3C2A protein (p.His816Arg).

NM_002645.4(PIK3C2A):c.2447A>G (p.His816Arg)

Gene: PIK3C2A (phosphatidylinositol-4-phosphate 3-kinase catalytic subunit type 2 alpha; minus strand). Cytogenetic location: 11p15.1.
Variant type: single nucleotide variant.
Coding change: c.2447A>G on transcript NM_002645.4 (MANE Select); coding-DNA position 2447, A replaced by G.
Protein change: p.His816Arg; replaces histidine 816 with arginine.
Molecular consequence: missense variant.
Genome position (GRCh38, 1-based): chr11:17,122,766, T>C on the plus strand (A>G on the coding strand, the complement: PIK3C2A is on the minus strand). VCF-style: chr11-17122766-T-C. GRCh37 (hg19) VCF-style: chr11-17144313-T-C.
Other names: c.2447A>G, p.His816Arg (NM_001321378.2); c.1307A>G, p.His436Arg (NM_001321380.2); c.2279A>G, p.His760Arg (NM_001386870.1); short protein forms H760R, H436R, H816R.
Identifiers: ClinVar variation 1922133 (VCV001922133.4), dbSNP rs763539325, ClinGen allele CA218389226.